The following is an entry in ClinVar:

NM_001166108.2(PALLD):c.2705C>A (p.Pro902His)

Genes: CBR4 (carbonyl reductase 4; minus strand), PALLD (palladin, cytoskeletal associated protein; plus strand). Cytogenetic location: 4q32.3.
Variant type: single nucleotide variant.
Coding change: c.2705C>A on transcript NM_001166108.2 (MANE Select); coding-DNA position 2705, C replaced by A.
Protein change: p.Pro902His; replaces proline 902 with histidine.
Molecular consequence: missense variant.
Genome position (GRCh38, 1-based): chr4:168,914,009, C>A. VCF-style: chr4-168914009-C-A. GRCh37 (hg19) VCF-style: chr4-169835160-C-A.
Other names: c.1508C>A, p.Pro503His (NM_001166109.2); c.1193C>A, p.Pro398His (NM_001166110.2); c.533C>A, p.Pro178His (NM_001367567.1, NM_001367569.1); c.584C>A, p.Pro195His (NM_001367568.1, NM_001367570.1); c.2654C>A, p.Pro885His (NM_016081.4); short protein forms P178H, P398H, P503H, P902H, P885H, P195H.
Identifiers: ClinVar variation 3304073 (VCV003304073.1).
Genomic context (GRCh38, chr4:168,914,009, plus strand): 5'-GGCTAATGGTACAGGCTGTCAACCAAAGAGGTCGAAGTCCCCGGTCTCCCTCAGGCCATC[C>A]TCATGTCAGAAGGTATTTAACATGTTCCTTCCCAGAAGTGTTACATTATTTTATTTATTA-3'
Protein context (NP_001159580.1, residues 892-912): GRSPRSPSGH[Pro902His]HVRRPRSRSR

ClinVar aggregate classification (germline): Uncertain significance (1 of 4 stars; one submission).

Submission:

Ambry Genetics
Classification: Uncertain significance. Last evaluated: 2024-05-01. Review status: criteria provided, single submitter. Criteria: Ambry Variant Classification Scheme 2023. Collection method: clinical testing. Allele origin: germline.
Comment: The p.P885H variant (also known as c.2654C>A), located in coding exon 14 of the PALLD gene, results from a C to A substitution at nucleotide position 2654. The proline at codon 885 is replaced by histidine, an amino acid with similar properties. This amino acid position is conserved. In addition, the in silico prediction for this alteration is inconclusive. Based on the available evidence, the clinical significance of this variant remains unclear.